The following is an entry in ClinVar:

ClinVar aggregate classification (germline): Uncertain significance (1 of 4 stars; one submission).

Allele frequency attached by ClinVar (database versions not stated): TOPMed 0.00001; ExAC 0.00002; gnomAD 0.00002.

Submission:

Labcorp Genetics (formerly Invitae), Labcorp
Classification: Uncertain significance. Last evaluated: 2023-10-13. Review status: criteria provided, single submitter. Criteria: Invitae Variant Classification Sherloc (09022015). Collection method: clinical testing. Allele origin: germline.
Comment: This sequence change replaces serine, which is neutral and polar, with threonine, which is neutral and polar, at codon 62 of the PLAA protein (p.Ser62Thr). This variant is present in population databases (rs769736071, gnomAD 0.02%). This variant has not been reported in the literature in individuals affected with PLAA-related conditions. ClinVar contains an entry for this variant (Variation ID: 2072812). Advanced modeling of protein sequence and biophysical properties (such as structural, functional, and spatial information, amino acid conservation, physicochemical variation, residue mobility, and thermodynamic stability) performed at Invitae indicates that this missense variant is not expected to disrupt PLAA protein function. In summary, the available evidence is currently insufficient to determine the role of this variant in disease. Therefore, it has been classified as a Variant of Uncertain Significance.

NM_001031689.3(PLAA):c.185G>C (p.Ser62Thr)

Gene: PLAA (phospholipase A2 activating protein; minus strand). Cytogenetic location: 9p21.2.
Variant type: single nucleotide variant.
Coding change: c.185G>C on transcript NM_001031689.3 (MANE Select); coding-DNA position 185, G replaced by C.
Protein change: p.Ser62Thr; replaces serine 62 with threonine.
Molecular consequence: missense variant.
Genome position (GRCh38, 1-based): chr9:26,935,171, C>G on the plus strand (G>C on the coding strand, the complement: PLAA is on the minus strand). VCF-style: chr9-26935171-C-G. GRCh37 (hg19) VCF-style: chr9-26935169-C-G.
Other names: c.185G>C, p.Ser62Thr (NM_001321546.2); short protein forms S62T.
Identifiers: ClinVar variation 2072812 (VCV002072812.2), dbSNP rs769736071, ClinGen allele CA5014703.
Genomic context (GRCh38, chr9:26,935,171, plus strand): 5'-TGAGGGTAGATGTCACTTGAGGGTATGATGCATACACAAGATACAAAATTGGAATGGCCA[C>G]TCATACAGTGCATTTCTGTAAAGCTCCTGTTTGGACTGGAAAGACAAGATAATTAATAGA-3'
Protein context (NP_001026859.1, residues 52-72): NRSFTEMHCM[Ser62Thr]GHSNFVSCVC